The following is an entry in ClinVar:

ClinVar aggregate classification (germline): Conflicting classifications of pathogenicity. Review status: criteria provided, conflicting classifications (1 of 4 stars). 2 submissions from 2 submitters: Uncertain significance (1); Likely benign (1). Last evaluated 2022-07-06.

Conditions:
Ataxia-telangiectasia-like disorder (ATLD). Identifiers: MedGen C1858391, MONDO:0011457.
Hereditary cancer-predisposing syndrome. Also called: Neoplastic Syndromes, Hereditary; Tumor predisposition; Hereditary Cancer Syndrome; Hereditary neoplastic syndrome. Identifiers: Orphanet 140162, MedGen C0027672, MeSH D009386, MONDO:0015356.

Allele frequency attached by ClinVar (database versions not stated): gnomAD exomes below 0.00001.
gnomAD v4.1: 5 of 1,612,230 alleles (0.00031%); highest among the groups gnomAD compares: Non-Finnish European, 0.00042%; no homozygotes.

Submissions (2):

Labcorp Genetics (formerly Invitae), Labcorp
Classification: Uncertain significance for Ataxia-telangiectasia-like disorder. Last evaluated: 2022-07-06. Review status: criteria provided, single submitter. Criteria: Invitae Variant Classification Sherloc (09022015). Collection method: clinical testing. Allele origin: germline.
Comment: This sequence change affects codon 594 of the MRE11 mRNA. It is a 'silent' change, meaning that it does not change the encoded amino acid sequence of the MRE11 protein. It affects a nucleotide within the consensus splice site. This variant is not present in population databases (gnomAD no frequency). This variant has not been reported in the literature in individuals affected with MRE11-related conditions. ClinVar contains an entry for this variant (Variation ID: 820067). Algorithms developed to predict the effect of sequence changes on RNA splicing suggest that this variant is not likely to affect RNA splicing. In summary, the available evidence is currently insufficient to determine the role of this variant in disease. Therefore, it has been classified as a Variant of Uncertain Significance.

Ambry Genetics
Classification: Likely benign for Hereditary cancer-predisposing syndrome. Last evaluated: 2019-01-11. Review status: criteria provided, single submitter. Criteria: Ambry Variant Classification Scheme 2023. Collection method: clinical testing. Allele origin: germline.

NM_005591.4(MRE11):c.1782A>G (p.Arg594=)

Gene: MRE11 (MRE11 double strand break repair nuclease; minus strand). Cytogenetic location: 11q21.
Variant type: single nucleotide variant.
Coding change: c.1782A>G on transcript NM_005591.4 (MANE Select); coding-DNA position 1782, A replaced by G.
Protein change: p.Arg594=; no amino-acid change (arginine 594 retained).
Molecular consequence: synonymous variant.
Genome position (GRCh38, 1-based): chr11:94,447,220, T>C on the plus strand (A>G on the coding strand, the complement: MRE11 is on the minus strand). VCF-style: chr11-94447220-T-C. GRCh37 (hg19) VCF-style: chr11-94180386-T-C.
Other names: c.1782A>G, p.Arg594= (NM_001330347.2, NM_005590.4).
Identifiers: ClinVar variation 820067 (VCV000820067.6), dbSNP rs1591654817, ClinGen allele CA476280988.
Genomic context (GRCh38, chr11:94,447,220, plus strand): 5'-CTGTATTTTCCACTCAACTGCCAAGTGTGAATGTGCACAGGACTGAACTCAGTGCTCACC[T>C]CTTCCTCTTTGAGACCCTCCTCTCGATGCTGAATTCTGCCCTCTTCCACCTCTTCGACCT-3'
Protein context (NP_005582.1, residues 584-604): SASRGGSQRG[Arg594=]ADTGLETSTR